The following is an entry in ClinVar:

NM_020937.4(FANCM):c.2267G>T (p.Arg756Leu)

Gene: FANCM (FA complementation group M; plus strand). Cytogenetic location: 14q21.2.
Variant type: single nucleotide variant.
Coding change: c.2267G>T on transcript NM_020937.4 (MANE Select); coding-DNA position 2267, G replaced by T.
Protein change: p.Arg756Leu; replaces arginine 756 with leucine.
Molecular consequence: missense variant.
Genome position (GRCh38, 1-based): chr14:45,173,161, G>T. VCF-style: chr14-45173161-G-T. GRCh37 (hg19) VCF-style: chr14-45642364-G-T.
Other names: c.2189G>T, p.Arg730Leu (NM_001308133.2); short protein forms R730L, R756L.
Identifiers: ClinVar variation 856163 (VCV000856163.13), dbSNP rs142763060, ClinGen allele CA7169306.
Genomic context (GRCh38, chr14:45,173,161, plus strand): 5'-GGAGACTGTGGCAAGATCATCCTTTGCCTACACATCAAGTTGATCACTCAGATCGATGCC[G>T]CCATTTTATAGGCCTTATGCAAATGATAGAGGGAATGAGACACGAAGAGGTGGGGTTTTA-3'
Protein context (NP_065988.1, residues 746-766): THQVDHSDRC[Arg756Leu]HFIGLMQMIE

ClinVar aggregate classification (germline): Uncertain significance. Review status: criteria provided, multiple submitters, no conflicts (2 of 4 stars). 4 submissions from 4 submitters: Uncertain significance (4). Last evaluated 2025-04-02.

Conditions:
Spermatogenic failure 28. Identifiers: MedGen C4748117, MONDO:0054732, OMIM 618086.
Premature ovarian failure 15. Identifiers: MedGen C4748170, MONDO:0054862, OMIM 618096.
Inborn genetic diseases. Identifiers: MedGen C0950123, MeSH D030342.
Fanconi anemia (FA). Also called: Fanconi's anemia. Identifiers: Orphanet 84, MedGen C0015625, MeSH D005199, MONDO:0019391.

Allele frequency attached by ClinVar (database versions not stated): TOPMed 0.00005.
gnomAD v4.1: 8 of 1,613,550 alleles (0.0005%); highest among the groups gnomAD compares: East Asian, 0.011%; no homozygotes.

Submissions (4):

Labcorp Genetics (formerly Invitae), Labcorp
Classification: Uncertain significance for Fanconi anemia. Last evaluated: 2025-04-02. Review status: criteria provided, single submitter. Criteria: Invitae Variant Classification Sherloc (09022015). Collection method: clinical testing. Allele origin: germline.
Comment: This sequence change replaces arginine, which is basic and polar, with leucine, which is neutral and non-polar, at codon 756 of the FANCM protein (p.Arg756Leu). This variant is present in population databases (rs142763060, gnomAD 0.03%). This variant has not been reported in the literature in individuals affected with FANCM-related conditions. ClinVar contains an entry for this variant (Variation ID: 856163). An algorithm developed to predict the effect of missense changes on protein structure and function outputs the following: PolyPhen-2: "Benign". The leucine amino acid residue is found in multiple mammalian species, which suggests that this missense change does not adversely affect protein function. In summary, the available evidence is currently insufficient to determine the role of this variant in disease. Therefore, it has been classified as a Variant of Uncertain Significance.

Ambry Genetics
Classification: Uncertain significance for Inborn genetic diseases. Last evaluated: 2025-03-02. Review status: criteria provided, single submitter. Criteria: Ambry Variant Classification Scheme 2023. Collection method: clinical testing. Allele origin: germline.
Comment: The p.R756L variant (also known as c.2267G>T), located in coding exon 13 of the FANCM gene, results from a G to T substitution at nucleotide position 2267. The arginine at codon 756 is replaced by leucine, an amino acid with dissimilar properties. This amino acid position is conserved. In addition, this alteration is predicted to be tolerated by in silico analysis. Based on the available evidence, the clinical significance of this variant remains unclear.

GeneDx
Classification: Uncertain significance. Last evaluated: 2024-05-14. Review status: criteria provided, single submitter. Criteria: GeneDx Variant Classification Process June 2021. Collection method: clinical testing. Allele origin: germline. Affected: yes.
Comment: In silico analysis supports that this missense variant does not alter protein structure/function; Has not been previously published as pathogenic or benign to our knowledge; This variant is associated with the following publications: (PMID: 26759717, 26689913, 29641532)

Fulgent Genetics
Classification: Uncertain significance for Spermatogenic failure 28; Premature ovarian failure 15. Last evaluated: 2021-12-16. Review status: criteria provided, single submitter. Criteria: ACMG Guidelines, 2015. Collection method: clinical testing. Allele origin: unknown.